The following is an entry in ClinVar:

ClinVar aggregate classification (germline): Uncertain significance (1 of 4 stars; one submission).

Conditions:
Charcot-Marie-Tooth disease axonal type 2O. Also called: CHARCOT-MARIE-TOOTH NEUROPATHY, AXONAL, TYPE 2O; CHARCOT-MARIE-TOOTH DISEASE, AXONAL, AUTOSOMAL DOMINANT, TYPE 2O; Charcot-Marie-Tooth Neuropathy Type 2O; Charcot-Marie-Tooth disease, axonal, type 20. Identifiers: Orphanet 284232, MedGen C3280220, MONDO:0013644, OMIM 614228.

gnomAD v4.1: 5 of 1,614,206 alleles (0.00031%); highest among the groups gnomAD compares: Non-Finnish European, 0.00042%; no homozygotes.

Submission:

Labcorp Genetics (formerly Invitae), Labcorp
Classification: Uncertain significance for Charcot-Marie-Tooth disease axonal type 2O. Last evaluated: 2025-03-19. Review status: criteria provided, single submitter. Criteria: Invitae Variant Classification Sherloc (09022015). Collection method: clinical testing. Allele origin: germline.
Comment: This sequence change replaces serine, which is neutral and polar, with cysteine, which is neutral and slightly polar, at codon 3710 of the DYNC1H1 protein (p.Ser3710Cys). This variant is not present in population databases (gnomAD no frequency). This variant has not been reported in the literature in individuals affected with DYNC1H1-related conditions. Invitae Evidence Modeling of protein sequence and biophysical properties (such as structural, functional, and spatial information, amino acid conservation, physicochemical variation, residue mobility, and thermodynamic stability) has been performed for this missense variant. However, the output from this modeling did not meet the statistical confidence thresholds required to predict the impact of this variant on DYNC1H1 protein function. In summary, the available evidence is currently insufficient to determine the role of this variant in disease. Therefore, it has been classified as a Variant of Uncertain Significance.

NM_001376.5(DYNC1H1):c.11128A>T (p.Ser3710Cys)

Gene: DYNC1H1 (dynein cytoplasmic 1 heavy chain 1; plus strand). Cytogenetic location: 14q32.31.
Variant type: single nucleotide variant.
Coding change: c.11128A>T on transcript NM_001376.5 (MANE Select); coding-DNA position 11128, A replaced by T.
Protein change: p.Ser3710Cys; replaces serine 3710 with cysteine.
Molecular consequence: missense variant.
Genome position (GRCh38, 1-based): chr14:102,038,770, A>T. VCF-style: chr14-102038770-A-T. GRCh37 (hg19) VCF-style: chr14-102505107-A-T.
Other names: short protein forms S3710C.
Identifiers: ClinVar variation 4802078 (VCV004802078.1).